The following is an entry in ClinVar:

ClinVar aggregate classification (germline): Conflicting classifications of pathogenicity. Review status: criteria provided, conflicting classifications (1 of 4 stars). 4 submissions from 4 submitters: Uncertain significance (1); Likely benign (3). Last evaluated 2025-06-18.

Conditions:
Left ventricular noncompaction 8 (LVNC8). Identifiers: Orphanet 154, Orphanet 54260, MedGen C3809288, MONDO:0014152, OMIM 615373.

Allele frequency attached by ClinVar (database versions not stated): TOPMed 0.00002; ExAC 0.00004; gnomAD 0.00009 and 0.00010; gnomAD exomes 0.00009.
gnomAD v4.1: 93 of 1,612,270 alleles (0.0058%); highest among the groups gnomAD compares: South Asian, 0.0033%; no homozygotes.

Submissions (4):

Labcorp Genetics (formerly Invitae), Labcorp
Classification: Likely benign for Left ventricular noncompaction 8. Last evaluated: 2025-06-18. Review status: criteria provided, single submitter. Criteria: Invitae Variant Classification Sherloc (09022015). Collection method: clinical testing. Allele origin: germline.

Blueprint Genetics
Classification: Likely benign. Last evaluated: 2023-09-04. Review status: criteria provided, single submitter. Criteria: ACMG Guidelines, 2015. Collection method: clinical testing. Allele origin: germline.

CeGaT Center for Human Genetics Tuebingen
Classification: Likely benign. Last evaluated: 2022-05-01. Review status: criteria provided, single submitter. Criteria: CeGaT Center For Human Genetics Tuebingen Variant Classification Criteria Version 2. Collection method: clinical testing. Allele origin: germline. Affected: yes. Observed: 1 variant allele.
Comment: PRDM16: BP4, BP7

GeneDx
Classification: Uncertain significance. Last evaluated: 2019-11-08. Review status: criteria provided, single submitter. Criteria: GeneDx Variant Classification Process June 2021. Collection method: clinical testing. Allele origin: germline. Affected: yes.
Comment: Has not been previously published as pathogenic or benign to our knowledge; In silico analysis, which includes splice predictors and evolutionary conservation, suggests this variant may impact gene splicing; in the absence of RNA/functional studies, the actual effect of this sequence change is unknown

NM_022114.4(PRDM16):c.2223G>A (p.Thr741=)

Gene: PRDM16 (PR/SET domain 16; plus strand). Cytogenetic location: 1p36.32.
Variant type: single nucleotide variant.
Coding change: c.2223G>A on transcript NM_022114.4 (MANE Select); coding-DNA position 2223, G replaced by A.
Protein change: p.Thr741=; no amino-acid change (threonine 741 retained).
Molecular consequence: synonymous variant.
Genome position (GRCh38, 1-based): chr1:3,412,420, G>A. VCF-style: chr1-3412420-G-A. GRCh37 (hg19) VCF-style: chr1-3328984-G-A.
Other names: c.2223G>A, p.Thr741= (NM_199454.3).
Identifiers: ClinVar variation 1310240 (VCV001310240.34), dbSNP rs756779855, ClinGen allele CA544417.